The following is an entry in ClinVar:

ClinVar aggregate classification (germline): Likely benign. Review status: criteria provided, multiple submitters, no conflicts (2 of 4 stars). 2 submissions from 2 submitters: Likely benign (2). Last evaluated 2022-10-26.

Conditions:
Neuronopathy, distal hereditary motor, autosomal recessive 5. Also called: Spinal muscular atrophy, distal, autosomal recessive, 5; Young adult-onset distal hereditary motor neuropathy; NEUROPATHY, DISTAL HEREDITARY MOTOR, AUTOSOMAL RECESSIVE 5. Identifiers: Orphanet 314485, Orphanet 443950, MedGen C4749918, MONDO:0013947, OMIM 614881.

Allele frequency attached by ClinVar (database versions not stated): TOPMed 0.00001; gnomAD 0.00003.
gnomAD v4.1: 16 of 1,563,978 alleles (0.001%); highest among the groups gnomAD compares: Admixed American, 0.0021%; no homozygotes.

Submissions (2):

Labcorp Genetics (formerly Invitae), Labcorp
Classification: Likely benign for Neuronopathy, distal hereditary motor, autosomal recessive 5. Last evaluated: 2022-10-26. Review status: criteria provided, single submitter. Criteria: Invitae Variant Classification Sherloc (09022015). Collection method: clinical testing. Allele origin: germline.

GeneDx
Classification: Likely benign. Last evaluated: 2017-01-17. Review status: criteria provided, single submitter. Criteria: GeneDx Variant Classification (06012015). Collection method: clinical testing. Allele origin: germline. Affected: yes.
Comment: This variant is considered likely benign or benign based on one or more of the following criteria: it is a conservative change, it occurs at a poorly conserved position in the protein, it is predicted to be benign by multiple in silico algorithms, and/or has population frequency not consistent with disease.

NM_006736.6(DNAJB2):c.353-12T>A

Gene: DNAJB2 (DnaJ heat shock protein family (Hsp40) member B2; plus strand). Cytogenetic location: 2q35.
Variant type: single nucleotide variant.
Coding change: c.353-12T>A on transcript NM_006736.6 (MANE Select); 12 bases into the intron before coding-DNA position 353, T replaced by A.
Molecular consequence: intron variant.
Genome position (GRCh38, 1-based): chr2:219,282,825, T>A. VCF-style: chr2-219282825-T-A. GRCh37 (hg19) VCF-style: chr2-220147547-T-A.
Other names: c.353-12T>A (NM_001039550.2).
Identifiers: ClinVar variation 392964 (VCV000392964.6), dbSNP rs752999271, ClinGen allele CA2122954.
Genomic context (GRCh38, chr2:219,282,825, plus strand): 5'-AGACTTGGGCTCACACACTTTTGAGGGGAAATGTCATTACCAGATGACTGCTAATCTGTT[T>A]ACTTGTTGCAGATGACCTGGGCCCCTTCTCAGAGCTTCAGAACCGGGGTTCCCGACACTC-3'